The following is an entry in ClinVar:

ClinVar aggregate classification (germline): Pathogenic. Review status: criteria provided, multiple submitters, no conflicts (2 of 4 stars). 2 submissions from 2 submitters: Pathogenic (2). Last evaluated 2024-07-19.

Submissions (2):

Revvity Omics, Revvity
Classification: Pathogenic. Last evaluated: 2024-07-19. Review status: criteria provided, single submitter. Criteria: ACMG Guidelines, 2015. Collection method: clinical testing. Allele origin: germline.

GeneDx
Classification: Pathogenic. Last evaluated: 2016-11-07. Review status: criteria provided, single submitter. Criteria: GeneDx Variant Classification (06012015). Collection method: clinical testing. Allele origin: germline. Affected: yes.
Comment: The c.6290+1 G>C splice site variant in the DMD gene destroys the canonical splice donor site in intron 43. It is predicted to cause abnormal splicing, either leading to an abnormal message that is subject to nonsense-mediated mRNA decay, or to an abnormal protein product if the message is used for protein translation. The c.6290+1 G>C variant was not observed in approximately 6,500 individuals of European and African American ancestry in the NHLBI Exome Sequencing Project, indicating it is not a common benign variant in these populations. Although this splice site variant has not been previously reported to our knowledge, other splice site variants (including c.6290+1 G>A) in the DMD gene have been reported in the Human Gene Mutation Database in association with dystrophinopathies (Stenson et al., 2014). Therefore, c.6290+1 G>C is considered a pathogenic variant.

NM_004006.3(DMD):c.6290+1G>C

Gene: DMD (dystrophin; minus strand). Cytogenetic location: Xp21.1.
Variant type: single nucleotide variant.
Coding change: c.6290+1G>C on transcript NM_004006.3 (MANE Select); the canonical splice donor site of the intron after coding-DNA position 6290, G replaced by C.
Molecular consequence: splice donor variant.
Genome position (GRCh38, 1-based): chrX:32,287,528, C>G on the plus strand (G>C on the coding strand, the complement: DMD is on the minus strand). VCF-style: chrX-32287528-C-G. GRCh37 (hg19) VCF-style: chrX-32305645-C-G.
Other names: c.6266+1G>C (NM_000109.4); c.2267+1G>C (NM_004011.4); c.2258+1G>C (NM_004012.4); c.6278+1G>C (NM_004009.3); c.5921+1G>C (NM_004010.3).
Identifiers: ClinVar variation 280296 (VCV000280296.3), dbSNP rs886041527, ClinGen allele CA10603583.